The following is an entry in ClinVar:

NM_001378452.1(ITPR1):c.1507A>G (p.Asn503Asp)

Gene: ITPR1 (inositol 1,4,5-trisphosphate receptor type 1; plus strand). Cytogenetic location: 3p26.1.
Variant type: single nucleotide variant.
Coding change: c.1507A>G on transcript NM_001378452.1 (MANE Select); coding-DNA position 1507, A replaced by G.
Protein change: p.Asn503Asp; replaces asparagine 503 with aspartic acid.
Molecular consequence: missense variant.
Genome position (GRCh38, 1-based): chr3:4,663,159, A>G. VCF-style: chr3-4663159-A-G. GRCh37 (hg19) VCF-style: chr3-4704843-A-G.
Other names: c.1507A>G, p.Asn503Asp (NM_001099952.4); c.1462A>G, p.Asn488Asp (NM_001168272.2, NM_002222.7); c.1462A>G (NM_002222.5); short protein forms N488D, N503D.
Identifiers: ClinVar variation 4691848 (VCV004691848.2).

ClinVar aggregate classification (germline): Uncertain significance. Review status: criteria provided, multiple submitters, no conflicts (2 of 4 stars). 2 submissions from 2 submitters: Uncertain significance (2). Last evaluated 2026-02-17.

gnomAD v4.1: 2 of 1,613,794 alleles (0.00012%); highest among the groups gnomAD compares: Admixed American, 0.0017%; no homozygotes.

Submissions (2):

GeneDx
Classification: Uncertain significance. Last evaluated: 2026-02-17. Review status: criteria provided, single submitter. Criteria: GeneDx Variant Classification Process June 2021. Collection method: clinical testing. Allele origin: germline.
Comment: In silico analysis supports that this missense variant has a deleterious effect on protein structure/function; Has not been previously published as pathogenic or benign to our knowledge

Labcorp Genetics (formerly Invitae), Labcorp
Classification: Uncertain significance. Last evaluated: 2025-03-29. Review status: criteria provided, single submitter. Criteria: Invitae Variant Classification Sherloc (09022015). Collection method: clinical testing. Allele origin: germline.
Comment: This sequence change replaces asparagine, which is neutral and polar, with aspartic acid, which is acidic and polar, at codon 488 of the ITPR1 protein (p.Asn488Asp). This variant is present in population databases (no rsID available, gnomAD 0.003%). This variant has not been reported in the literature in individuals affected with ITPR1-related conditions. Invitae Evidence Modeling of protein sequence and biophysical properties (such as structural, functional, and spatial information, amino acid conservation, physicochemical variation, residue mobility, and thermodynamic stability) indicates that this missense variant is not expected to disrupt ITPR1 protein function with a negative predictive value of 95%. In summary, the available evidence is currently insufficient to determine the role of this variant in disease. Therefore, it has been classified as a Variant of Uncertain Significance.